The following is an entry in ClinVar:

ClinVar aggregate classification (germline): Likely pathogenic (1 of 4 stars; one submission).

Submission:

Labcorp Genetics (formerly Invitae), Labcorp
Classification: Likely pathogenic. Last evaluated: 2022-07-06. Review status: criteria provided, single submitter. Criteria: Invitae Variant Classification Sherloc (09022015). Collection method: clinical testing. Allele origin: germline.
Comment: In summary, the currently available evidence indicates that the variant is pathogenic, but additional data are needed to prove that conclusively. Therefore, this variant has been classified as Likely Pathogenic. Algorithms developed to predict the effect of sequence changes on RNA splicing suggest that this variant may disrupt the consensus splice site. ClinVar contains an entry for this variant (Variation ID: 1520136). This variant has not been reported in the literature in individuals affected with MPDZ-related conditions. This variant is not present in population databases (gnomAD no frequency). This sequence change affects an acceptor splice site in intron 19 of the MPDZ gene. It is expected to disrupt RNA splicing. Variants that disrupt the donor or acceptor splice site typically lead to a loss of protein function (PMID: 16199547), and loss-of-function variants in MPDZ are known to be pathogenic (PMID: 23240096, 28556411).

Literature cited by the submitters: PubMed 16199547; PubMed 23240096; PubMed 28556411.

NM_001378778.1(MPDZ):c.2650-2A>C

Gene: MPDZ (multiple PDZ domain crumbs cell polarity complex component; minus strand). Cytogenetic location: 9p23.
Variant type: single nucleotide variant.
Coding change: c.2650-2A>C on transcript NM_001378778.1 (MANE Select); the canonical splice acceptor site of the intron before coding-DNA position 2650, A replaced by C.
Molecular consequence: splice acceptor variant.
Genome position (GRCh38, 1-based): chr9:13,176,419, T>G on the plus strand (A>C on the coding strand, the complement: MPDZ is on the minus strand). VCF-style: chr9-13176419-T-G. GRCh37 (hg19) VCF-style: chr9-13176418-T-G.
Other names: c.2650-2A>C (NM_001375425.1, NM_001375420.1, NM_001375419.1 and 14 more transcripts).
Identifiers: ClinVar variation 1520136 (VCV001520136.8), dbSNP rs2134192926, ClinGen allele CA372935542.